The following is an entry in ClinVar:

NM_000426.4(LAMA2):c.8219C>G (p.Pro2740Arg)

Gene: LAMA2 (laminin subunit alpha 2; plus strand). Cytogenetic location: 6q22.33.
Variant type: single nucleotide variant.
Coding change: c.8219C>G on transcript NM_000426.4 (MANE Select); coding-DNA position 8219, C replaced by G.
Protein change: p.Pro2740Arg; replaces proline 2740 with arginine.
Molecular consequence: missense variant.
Genome position (GRCh38, 1-based): chr6:129,492,458, C>G. VCF-style: chr6-129492458-C-G. GRCh37 (hg19) VCF-style: chr6-129813603-C-G.
Other names: c.8207C>G, p.Pro2736Arg (NM_001079823.2); short protein forms P2736R, P2740R.
Identifiers: ClinVar variation 4801388 (VCV004801388.1).
Genomic context (GRCh38, chr6:129,492,458, plus strand): 5'-ATGGAGCAGCTCCAGCTGAAATAGTTATCCAGCCTGAGCCAGTTCCCACCCCAGCCTTTC[C>G]TACGCCCACCCCAGTTCTGACACATGTAAGTGTTTATATTATCCCCATTGCTTTCTAATT-3'
Protein context (NP_000417.3, residues 2730-2750): QPEPVPTPAF[Pro2740Arg]TPTPVLTHGP

ClinVar aggregate classification (germline): Uncertain significance (1 of 4 stars; one submission).

Conditions:
LAMA2-related muscular dystrophy (LAMA2-RD). Also called: Laminin alpha 2-related dystrophy. Identifiers: MedGen C5679788, MONDO:0100228.

gnomAD v4.1: 1 of 1,614,072 alleles (0.000062%); highest among the groups gnomAD compares: African/African-American, 0.0013%; no homozygotes.

Submission:

Labcorp Genetics (formerly Invitae), Labcorp
Classification: Uncertain significance for LAMA2-related muscular dystrophy. Last evaluated: 2025-08-17. Review status: criteria provided, single submitter. Criteria: Invitae Variant Classification Sherloc (09022015). Collection method: clinical testing. Allele origin: germline.
Comment: This sequence change replaces proline, which is neutral and non-polar, with arginine, which is basic and polar, at codon 2740 of the LAMA2 protein (p.Pro2740Arg). This variant is not present in population databases (gnomAD no frequency). This variant has not been reported in the literature in individuals affected with LAMA2-related conditions. Invitae Evidence Modeling of protein sequence and biophysical properties (such as structural, functional, and spatial information, amino acid conservation, physicochemical variation, residue mobility, and thermodynamic stability) indicates that this missense variant is not expected to disrupt LAMA2 protein function with a negative predictive value of 95%. In summary, the available evidence is currently insufficient to determine the role of this variant in disease. Therefore, it has been classified as a Variant of Uncertain Significance.